The following is an entry in ClinVar:

ClinVar aggregate classification (germline): Pathogenic (1 of 4 stars; one submission).

Submission:

Labcorp Genetics (formerly Invitae), Labcorp
Classification: Pathogenic. Last evaluated: 2023-06-29. Review status: criteria provided, single submitter. Criteria: Invitae Variant Classification Sherloc (09022015). Collection method: clinical testing. Allele origin: germline.
Comment: For these reasons, this variant has been classified as Pathogenic. This variant has not been reported in the literature in individuals affected with TCIRG1-related conditions. This variant is not present in population databases (gnomAD no frequency). This sequence change creates a premature translational stop signal (p.Tyr383Serfs*108) in the TCIRG1 gene. It is expected to result in an absent or disrupted protein product. Loss-of-function variants in TCIRG1 are known to be pathogenic (PMID: 10888887, 10942435, 11532986, 19448635).

Literature cited by the submitters: PubMed 10888887; PubMed 10942435; PubMed 11532986; PubMed 19448635.

NM_006019.4(TCIRG1):c.1144_1147dup (p.Tyr383fs)

Gene: TCIRG1 (T cell immune regulator 1, ATPase H+ transporting V0 subunit a3; plus strand). Cytogenetic location: 11q13.2.
Variant type: Duplication.
Coding change: c.1144_1147dup on transcript NM_006019.4 (MANE Select); coding-DNA positions 1144 to 1147, 4 bases duplicated (CGCT; older notation c.1144_1147dupCGCT).
Protein change: p.Tyr383fs; shifts the reading frame from tyrosine 383.
Molecular consequence: frameshift variant.
Genome position (GRCh38, 1-based): chr11:68,045,081-68,045,084, CGCT duplicated. VCF-style (leftmost placement, unchanged base first): chr11-68045080-C-CCGCT. GRCh37 (hg19) VCF-style: chr11-67812547-C-CCGCT.
Other names: c.250_253dup, p.Tyr85fs (NM_001351059.2); c.496_499dup, p.Tyr167fs (NM_006053.4); short protein forms Y167fs, Y383fs, Y85fs.
Identifiers: ClinVar variation 2732775 (VCV002732775.3), dbSNP rs2495632574, ClinGen allele CA2697548738.